The following is an entry in ClinVar:

NM_000574.5(CD55):c.503A>G (p.Glu168Gly)

Gene: CD55 (CD55 molecule (Cromer blood group); plus strand). Cytogenetic location: 1q32.2.
Variant type: single nucleotide variant.
Coding change: c.503A>G on transcript NM_000574.5 (MANE Select); coding-DNA position 503, A replaced by G.
Protein change: p.Glu168Gly; replaces glutamic acid 168 with glycine.
Molecular consequence: missense variant. On other transcripts: non-coding transcript variant (1).
Genome position (GRCh38, 1-based): chr1:207,325,646, A>G. VCF-style: chr1-207325646-A-G. GRCh37 (hg19) VCF-style: chr1-207498991-A-G.
Other names: c.503A>G, p.Glu168Gly (NM_001114752.3, NM_001300902.2, NM_001300903.2 and 1 more transcripts); short protein forms E168G.
Identifiers: ClinVar variation 1905298 (VCV001905298.4), dbSNP rs2526942382, ClinGen allele CA344516750.

ClinVar aggregate classification (germline): Uncertain significance (1 of 4 stars; one submission).

Allele frequency attached by ClinVar (database versions not stated): gnomAD exomes 0.00001.
gnomAD v4.1: 12 of 1,609,300 alleles (0.00075%); highest among the groups gnomAD compares: Non-Finnish European, 0.001%; 1 homozygote.

Submission:

Labcorp Genetics (formerly Invitae), Labcorp
Classification: Uncertain significance. Last evaluated: 2024-10-15. Review status: criteria provided, single submitter. Criteria: Invitae Variant Classification Sherloc (09022015). Collection method: clinical testing. Allele origin: germline.
Comment: This sequence change replaces glutamic acid, which is acidic and polar, with glycine, which is neutral and non-polar, at codon 168 of the CD55 protein (p.Glu168Gly). This variant is not present in population databases (gnomAD no frequency). This variant has not been reported in the literature in individuals affected with CD55-related conditions. ClinVar contains an entry for this variant (Variation ID: 1905298). Invitae Evidence Modeling of protein sequence and biophysical properties (such as structural, functional, and spatial information, amino acid conservation, physicochemical variation, residue mobility, and thermodynamic stability) indicates that this missense variant is not expected to disrupt CD55 protein function with a negative predictive value of 80%. In summary, the available evidence is currently insufficient to determine the role of this variant in disease. Therefore, it has been classified as a Variant of Uncertain Significance.